The following is an entry in ClinVar:

NM_000219.6(KCNE1):c.83C>G (p.Ser28Trp)

Gene: KCNE1 (potassium voltage-gated channel subfamily E regulatory subunit 1; minus strand). Cytogenetic location: 21q22.12.
Variant type: single nucleotide variant.
Coding change: c.83C>G on transcript NM_000219.6 (MANE Select); coding-DNA position 83, C replaced by G.
Protein change: p.Ser28Trp; replaces serine 28 with tryptophan.
Molecular consequence: missense variant.
Genome position (GRCh38, 1-based): chr21:34,449,552, G>C on the plus strand (C>G on the coding strand, the complement: KCNE1 is on the minus strand). VCF-style: chr21-34449552-G-C. GRCh37 (hg19) VCF-style: chr21-35821850-G-C.
Other names: c.83C>G, p.Ser28Trp (NM_001127668.4, NM_001127669.4, NM_001127670.4 and 4 more transcripts); short protein forms S28W.
Identifiers: ClinVar variation 3374002 (VCV003374002.2).

Conditions:
Long QT syndrome 5 (LQT5). Identifiers: Orphanet 101016, Orphanet 768, MedGen C1867904, MONDO:0013372, OMIM 613695.

Submission:

Roden Lab, Vanderbilt University Medical Center
No classification provided (evidence only). Condition: Long QT syndrome 5. Review status: no classification provided. Collection method: in vitro. Allele origin: not applicable. Functional consequence: Effect on ion channel function.
ClinVar note: "not provided" was previously submitted as the classification for the variant. However, the classification appeared to be based only on an observation of functional data so it was converted to no classification on 2025-07-30.